The following is an entry in ClinVar:

NM_001613.4(ACTA2):c.495C>T (p.Val165=)

Gene: ACTA2 (actin alpha 2, smooth muscle; minus strand). Cytogenetic location: 10q23.31.
Variant type: single nucleotide variant.
Coding change: c.495C>T on transcript NM_001613.4 (MANE Select); coding-DNA position 495, C replaced by T.
Protein change: p.Val165=; no amino-acid change (valine 165 retained).
Molecular consequence: synonymous variant.
Genome position (GRCh38, 1-based): chr10:88,941,350, G>A on the plus strand (C>T on the coding strand, the complement: ACTA2 is on the minus strand). VCF-style: chr10-88941350-G-A. GRCh37 (hg19) VCF-style: chr10-90701107-G-A.
Other names: c.495C>T, p.Val165= (NM_001141945.3, NM_001320855.2, NM_001406462.1 and 3 more transcripts); c.384C>T, p.Val128= (NM_001406466.1); c.366C>T, p.Val122= (NM_001406467.1, NM_001406468.1, NM_001406469.1).
Identifiers: ClinVar variation 1331774 (VCV001331774.9), dbSNP rs1253704403, ClinGen allele CA470734557.

ClinVar aggregate classification (germline): Likely benign. Review status: criteria provided, multiple submitters, no conflicts (2 of 4 stars). 3 submissions from 3 submitters: Likely benign (3). Last evaluated 2025-12-14.

Conditions:
Aortic aneurysm, familial thoracic 6 (AAT6). Also called: FAMILIAL THORACIC AORTIC ANEURYSM WITH LIVEDO RETICULARIS AND IRIS FLOCCULI. Identifiers: MedGen C2673186, MONDO:0012730, OMIM 611788.
Familial thoracic aortic aneurysm and aortic dissection (TAAD). Also called: Thoracic aortic aneurysms and dissections. Identifiers: Orphanet 91387, MedGen C4707243, MONDO:0019625.

gnomAD v4.1: 2 of 1,613,810 alleles (0.00012%); highest among the groups gnomAD compares: South Asian, 0.0011%; no homozygotes.

Submissions (3):

Labcorp Genetics (formerly Invitae), Labcorp
Classification: Likely benign for Aortic aneurysm, familial thoracic 6. Last evaluated: 2025-12-14. Review status: criteria provided, single submitter. Criteria: Invitae Variant Classification Sherloc (09022015). Collection method: clinical testing. Allele origin: germline.

All of Us Research Program, National Institutes of Health
Classification: Likely benign for Familial thoracic aortic aneurysm and aortic dissection. Last evaluated: 2024-09-26. Review status: criteria provided, single submitter. Criteria: ACMG Guidelines, 2015. Collection method: clinical testing. Allele origin: germline. Inheritance: Autosomal dominant inheritance. Observed: 3 variant alleles, 3 heterozygotes.
Comment: This study involves interpretation of variants in research participants for the purpose of population health screening. Participant phenotype was not available at the time of variant classification. Additional details can be found in publication PMID: 35346344, PMCID: PMC8962531

Color Diagnostics, LLC DBA Color Health
Classification: Likely benign for Familial thoracic aortic aneurysm and aortic dissection. Last evaluated: 2021-03-03. Review status: criteria provided, single submitter. Criteria: ACMG Guidelines, 2015. Collection method: clinical testing. Allele origin: germline.